The following is an entry in ClinVar:

ClinVar aggregate classification (germline): Conflicting classifications of pathogenicity. Review status: criteria provided, conflicting classifications (1 of 4 stars). 11 submissions from 11 submitters: Pathogenic (3); Likely pathogenic (5); Uncertain significance (1). 2 of the submissions do not count toward it. Last evaluated 2026-02-05.

Conditions:
CFTR-related disorder (CFTR-RD). Also called: CFTR-related condition; CFTR-related disorders. Identifiers: MedGen C5924204, MONDO:7770004.
Cystic fibrosis (CF). Also called: MUCOVISCIDOSIS. Identifiers: Orphanet 586, MedGen C0010674, MONDO:0009061, OMIM 219700. Disease mechanism: loss of function.

Allele frequency attached by ClinVar (database versions not stated): gnomAD exomes below 0.00001.

Submissions (11):

GeneDx
Classification: Likely pathogenic. Last evaluated: 2026-02-05. Review status: criteria provided, single submitter. Criteria: GeneDx Variant Classification Process June 2021. Collection method: clinical testing. Allele origin: germline.
Comment: Not observed at significant frequency in large population cohorts (gnomAD); Functional studies demonstrate a significant damaging effect on chloride channel activity and protein maturation rate as severe as CF-causing variants (PMID: 38388235); In silico analysis supports that this missense variant has a deleterious effect on protein structure/function; This variant is associated with the following publications: (PMID: 25525159, 20059485, 35932130, Fass2015[Other], 41203217, 38388235, 30419605, 25097766, 38605122, 36458240, 35273129, 35857025, 28603918, 29886024, 15970608, 10515412, 40013628, 39529847, 37313453)

Women's Health and Genetics/Laboratory Corporation of America, LabCorp
Classification: Pathogenic for Cystic fibrosis. Last evaluated: 2025-09-09. Review status: criteria provided, single submitter. Criteria: LabCorp Variant Classification Summary - May 2015. Collection method: clinical testing. Allele origin: germline.
Comment: Variant summary: CFTR c.1175T>G (p.Val392Gly) results in a non-conservative amino acid change in the encoded protein sequence. Algorithms developed to predict the effect of missense changes on protein structure and function all suggest that this variant is likely to be disruptive. The variant was absent in 250960 control chromosomes. c.1175T>G has been observed in individuals affected with Cystic Fibrosis as a homozygous, compound heterozygous, heterozygous, or unreported genotype (e.g., Bulegenova_2022, Fass_2014, Gilljam_1999, Mei-Zahav_2005, Rosenfeld_2018, Vaidyanathan_2022). These data indicate that the variant is likely to be associated with disease. At least one publication reports experimental evidence evaluating an impact on protein function. The most pronounced variant effect resulted in <10% of normal chloride channel conductance relative to wild type (e.g., Bihler_2024). The following publications have been ascertained in the context of this evaluation (PMID: 38605122, 38388235, 35273129, 25097766, 10515412, 15970608, 29886024, 35857025). ClinVar contains an entry for this variant (Variant ID: 53207). Based on the evidence outlined above, the variant was classified as pathogenic.

Natera, Inc.
Classification: Likely pathogenic for CFTR-related disorders. Last evaluated: 2025-08-01. Review status: criteria provided, single submitter. Criteria: Natera Variant Classification Schema (03/2026). Collection method: clinical testing. Allele origin: germline.
Comment: The c.1175T>G variant in CFTR is a missense variant predicted to cause substitution of valine to glycine at amino acid 392. This variant is rare in the general population with a frequency below the threshold expected for the associated phenotype(s). This variant has been observed in one or more individuals affected with the associated recessive disease, as either homozygous or compound heterozygous with a second variant (PMID: 29886024, 35273129, 25097766). Computational prediction algorithms indicate this variant is likely to affect gene or protein function. Given the available evidence, this variant is classified as Likely Pathogenic.

3billion
Classification: Likely pathogenic for Cystic fibrosis. Last evaluated: 2025-02-02. Review status: criteria provided, single submitter. Criteria: ACMG Guidelines, 2015. Collection method: clinical testing. Allele origin: germline. Affected: yes.
Comment: The variant is observed at an extremely low frequency in the gnomAD v4.1.0 dataset (total allele frequency: <0.001%). Predicted Consequence/Location: Missense variant In silico tool predictions suggest damaging effect of the variant on gene or gene product [REVEL: 0.87 (>=0.6, sensitivity 0.68 and specificity 0.92); 3Cnet: 0.93 (>=0.6, sensitivity 0.72 and precision 0.9)]. The same nucleotide change resulting in the same amino acid change has been previously reported to be associated with CFTR-related disorder (ClinVar ID: VCV000053207).The variant has been reported to be in trans with a pathogenic variant as either compound heterozygous or homozygous in at least one similarly affected unrelated individual (PMID: 36458240). Therefore, this variant is classified as Likely pathogenic according to the recommendation of ACMG/AMP guideline.

Labcorp Genetics (formerly Invitae), Labcorp
Classification: Pathogenic for Cystic fibrosis. Last evaluated: 2023-12-29. Review status: criteria provided, single submitter. Criteria: Invitae Variant Classification Sherloc (09022015). Collection method: clinical testing. Allele origin: germline.
Comment: This sequence change replaces valine, which is neutral and non-polar, with glycine, which is neutral and non-polar, at codon 392 of the CFTR protein (p.Val392Gly). This variant is not present in population databases (gnomAD no frequency). This missense change has been observed in individuals with cystic fibrosis (PMID: 25097766, 35273129). ClinVar contains an entry for this variant (Variation ID: 53207). Advanced modeling of protein sequence and biophysical properties (such as structural, functional, and spatial information, amino acid conservation, physicochemical variation, residue mobility, and thermodynamic stability) performed at Invitae indicates that this missense variant is expected to disrupt CFTR protein function with a positive predictive value of 80%. For these reasons, this variant has been classified as Pathogenic.

Institute of Medical Genetics and Genomics, Sir Ganga Ram Hospital
Classification: Likely pathogenic for Cystic fibrosis. Last evaluated: 2023-10-12. Review status: criteria provided, single submitter. Criteria: ACMG Guidelines, 2015. Collection method: clinical testing. Allele origin: germline. Inheritance: Autosomal recessive inheritance. Affected: yes. Observed: 1 homozygote.
Comment: These clinical findings are suggestive of ? Pseudo-bartter phenotype of Cystic Fibrosis. As per available resources, this variant is absent from the gnomAD databases, and have a revel score of 0.8 (Deleterious). This variant has been previously reported [PMID:25097766 ].

Ambry Genetics
Classification: Pathogenic for Cystic fibrosis. Last evaluated: 2023-09-03. Review status: criteria provided, single submitter. Criteria: Ambry Variant Classification Scheme 2023. Collection method: clinical testing. Allele origin: germline.
Comment: The p.V392G pathogenic mutation (also known as c.1175T>G), located in coding exon 9 of the CFTR gene, results from a T to G substitution at nucleotide position 1175. The valine at codon 392 is replaced by glycine, an amino acid with dissimilar properties. This mutation has been reported in several individuals with a clinical diagnosis of cystic fibrosis with elevated sweat chloride levels in conjunction with a second CFTR alteration; however, phase information was not provided (Rosenfeld M et al. Lancet Respir Med, 2018 Jul;6:545-553; Al Oraimi S et al. Oman Med J, 2022 Nov;37:e444). This variant is considered to be rare based on population cohorts in the Genome Aggregation Database (gnomAD). This amino acid position is well conserved in available vertebrate species. In addition, this alteration is predicted to be deleterious by in silico analysis. Based on the supporting evidence, this alteration is interpreted as a disease-causing mutation.

Johns Hopkins Genomics, Johns Hopkins University
Classification: Uncertain significance for Cystic fibrosis. Last evaluated: 2022-07-23. Review status: criteria provided, single submitter. Criteria: ACMG Guidelines, 2015. Collection method: clinical testing. Allele origin: germline.
Comment: CFTR c.1175T>G has been identified in multiple individuals with features of cystic fibrosis who also have a second CFTR variant, although the phase of these variants is not known. This variant has been reported in ClinVar (Variation ID: 53207) but is absent from a large population dataset. BayPR, an algorithm that uses population data to assign disease liability to variants, predicts that this variant is highly likely to be CF-causing. Three bioinformatic tools queried predict that this substitution would be damaging and the valine residue at this position is evolutionarily conserved across most species assessed. Due to insufficient evidence that this variant is deleterious, we consider the clinical significance of CFTR c.1175T>G to be uncertain at this time.

Neuberg Centre For Genomic Medicine, NCGM
Classification: Likely pathogenic for Cystic fibrosis. Review status: criteria provided, single submitter. Criteria: ACMG Guidelines, 2015. Collection method: clinical testing. Allele origin: germline. Inheritance: Autosomal recessive inheritance. Affected: yes.
Comment: The observed missense c.1175T>G (p.Val392Gly) variant in CFTR gene has been reported previously in multiple individuals affected with cystic fibrosis (Bulegenova et al., 2022; Al-Sadeq et al., 2019; Fass et al., 2014; Rosenfeld et al., 2019). The p.Val392Gly variant is absent in gnomAD Exomes. This variant has been submitted to the ClinVar database as Uncertain Significance. Multiple lines of computational evidence (Polyphen - Probably Damaging, SIFT - Damaging and MutationTaster - Disease causing) predict a damaging effect on protein structure and function for this variant. The reference amino acid of p.Val392Gly in CFTR is predicted as conserved by GERP++ and PhyloP across 100 vertebrates. The amino acid Val at position 392 is changed to a Gly changing protein sequence and it might alter its composition and physico-chemical properties. However, additional functional studies will be required to prove the pathogenicity of this variant. For these reasons, this variant has been classified as Likely Pathogenic.

Department of Genetics, Sultan Qaboos University Hospital
Classification: Likely pathogenic for Cystic fibrosis. Last evaluated: 2024-06-12. Review status: no assertion criteria provided. Collection method: clinical testing. Allele origin: unknown. Affected: yes. Not counted in ClinVar's aggregate classification.

ClinVar Staff, National Center for Biotechnology Information (NCBI)
No classification provided. Condition: CFTR-related disorders. Review status: no classification provided. Collection method: literature only. Allele origin: germline. Affected: yes. Not counted in ClinVar's aggregate classification.

Literature cited by the submitters: PubMed 15970608 (cited by Women's Health and Genetics/Laboratory Corporation of America, LabCorp); PubMed 35273129 (cited by 4 submitters); PubMed 35857025 (cited by Women's Health and Genetics/Laboratory Corporation of America, LabCorp); PubMed 38388235 (cited by Women's Health and Genetics/Laboratory Corporation of America, LabCorp); PubMed 38605122 (cited by Women's Health and Genetics/Laboratory Corporation of America, LabCorp); PubMed 25097766 (cited by 5 submitters); PubMed 10515412 (cited by Women's Health and Genetics/Laboratory Corporation of America, LabCorp); PubMed 29886024 (cited by 4 submitters); PubMed 36458240 (cited by 3billion and Ambry Genetics); PubMed 30419605 (cited by Johns Hopkins Genomics, Johns Hopkins University); PubMed 20059485 (cited by ClinVar Staff, National Center for Biotechnology Information (NCBI)).

NM_000492.4(CFTR):c.1175T>G (p.Val392Gly)

Gene: CFTR (CF transmembrane conductance regulator; plus strand). Cytogenetic location: 7q31.2.
Variant type: single nucleotide variant.
Coding change: c.1175T>G on transcript NM_000492.4 (MANE Select); coding-DNA position 1175, T replaced by G.
Protein change: p.Val392Gly; replaces valine 392 with glycine.
Molecular consequence: missense variant.
Genome position (GRCh38, 1-based): chr7:117,542,074, T>G. VCF-style: chr7-117542074-T-G. GRCh37 (hg19) VCF-style: chr7-117182128-T-G.
Other names: short protein forms V392G.
Identifiers: ClinVar variation 53207 (VCV000053207.16), dbSNP rs397508170, ClinGen allele CA326424.